The following is an entry in ClinVar:

NM_033305.3(VPS13A):c.2757del (p.Arg920fs)

Gene: VPS13A (vacuolar protein sorting 13 homolog A; plus strand). Cytogenetic location: 9q21.2.
Variant type: Deletion.
Coding change: c.2757del on transcript NM_033305.3 (MANE Select); coding-DNA position 2757, one base deleted (T; older notation c.2757delT).
Protein change: p.Arg920fs; shifts the reading frame from arginine 920.
Molecular consequence: frameshift variant.
Genome position (GRCh38, 1-based): chr9:77,276,154, T deleted; the last of 2 consecutive T bases (chr9:77,276,153-77,276,154); deleting either gives the same sequence. VCF-style (leftmost placement, unchanged base first): chr9-77276152-AT-A. GRCh37 (hg19) VCF-style: chr9-79891068-AT-A.
Other names: c.2757del, p.Arg920fs (NM_001018037.2, NM_001018038.3, NM_015186.4); short protein forms R920fs.
Identifiers: ClinVar variation 2799188 (VCV002799188.3), dbSNP rs2537816225, ClinGen allele CA2739269340.

ClinVar aggregate classification (germline): Pathogenic (1 of 4 stars; one submission).

Submission:

Labcorp Genetics (formerly Invitae), Labcorp
Classification: Pathogenic. Last evaluated: 2023-02-09. Review status: criteria provided, single submitter. Criteria: Invitae Variant Classification Sherloc (09022015). Collection method: clinical testing. Allele origin: germline.
Comment: This sequence change creates a premature translational stop signal (p.Arg920Glufs*5) in the VPS13A gene. It is expected to result in an absent or disrupted protein product. Loss-of-function variants in VPS13A are known to be pathogenic (PMID: 12404112, 21598378). This variant is not present in population databases (gnomAD no frequency). This variant has not been reported in the literature in individuals affected with VPS13A-related conditions. For these reasons, this variant has been classified as Pathogenic.

Literature cited by the submitters: PubMed 12404112; PubMed 21598378.